The following is an entry in ClinVar:

NM_144997.7(FLCN):c.1098G>A (p.Trp366Ter)

Gene: FLCN (folliculin; minus strand). Cytogenetic location: 17p11.2.
Variant type: single nucleotide variant.
Coding change: c.1098G>A on transcript NM_144997.7 (MANE Select); coding-DNA position 1098, G replaced by A.
Protein change: p.Trp366Ter; replaces tryptophan 366 with a stop codon.
Molecular consequence: nonsense.
Genome position (GRCh38, 1-based): chr17:17,217,147, C>T on the plus strand (G>A on the coding strand, the complement: FLCN is on the minus strand). VCF-style: chr17-17217147-C-T. GRCh37 (hg19) VCF-style: chr17-17120461-C-T.
Other names: c.1152G>A, p.Trp384Ter (NM_001353229.2); c.1098G>A, p.Trp366Ter (NM_001353230.2, NM_001353231.2); c.1098G>A (LRG_325t1); short protein forms W366*, W384*.
Identifiers: ClinVar variation 253244 (VCV000253244.10), dbSNP rs879255672, ClinGen allele CA10586259.

ClinVar aggregate classification (germline): Pathogenic. Review status: criteria provided, multiple submitters, no conflicts (2 of 4 stars). 6 submissions from 6 submitters: Pathogenic (6). Last evaluated 2026-04-27.

Conditions:
Birt-Hogg-Dube syndrome 1 (BHD1). Also called: FIBROFOLLICULOMAS WITH TRICHODISCOMAS AND ACROCHORDONS. Identifiers: Orphanet 122, MedGen CN375946, MONDO:0800445, OMIM 135150.
Birt-Hogg-Dube syndrome. Also called: Birt Hogg Dubé syndrome. Identifiers: Orphanet 122, MedGen C0346010, MONDO:0800444.

Submissions (6):

Department of Human Genetics, Hannover Medical School
Classification: Pathogenic for Birt-Hogg-Dube syndrome 1. Last evaluated: 2026-04-27. Review status: criteria provided, single submitter. Criteria: ACMG Guidelines, 2015. Collection method: clinical testing. Allele origin: germline. Inheritance: Autosomal dominant inheritance. Affected: yes.
Comment: ACMG/SVI: PVS1, PS4_Supporting, PM2_Supporting

Labcorp Genetics (formerly Invitae), Labcorp
Classification: Pathogenic for Birt-Hogg-Dube syndrome. Last evaluated: 2025-12-16. Review status: criteria provided, single submitter. Criteria: Invitae Variant Classification Sherloc (09022015). Collection method: clinical testing. Allele origin: germline.
Comment: This sequence change creates a premature translational stop signal (p.Trp366*) in the FLCN gene. It is expected to result in an absent or disrupted protein product. Loss-of-function variants in FLCN are known to be pathogenic (PMID: 15852235). This variant is not present in population databases (gnomAD no frequency). This premature translational stop signal has been observed in individual(s) with clinical features of Birt-Hogg-Dubé syndrome (PMID: 37370942). ClinVar contains an entry for this variant (Variation ID: 253244). For these reasons, this variant has been classified as Pathogenic.

Center for Genomic Medicine, Rigshospitalet, Copenhagen University Hospital
Classification: Pathogenic. Last evaluated: 2025-03-04. Review status: criteria provided, single submitter. Criteria: ACMG Guidelines, 2015. Collection method: clinical testing. Allele origin: germline.

Genomic Diagnostic Laboratory, Division of Genomic Diagnostics, Children's Hospital of Philadelphia
Classification: Pathogenic for Birt-Hogg-Dube Syndrome. Last evaluated: 2016-07-18. Review status: criteria provided, single submitter. Criteria: DGD Variant Analysis Guidelines. Collection method: clinical testing. Allele origin: germline. Affected: yes. Observed: 1 variant allele.
Comment: Clinical Testing

Clinical Genetics and Genomics, Karolinska University Hospital
Classification: Pathogenic. Last evaluated: 2014-09-17. Review status: criteria provided, single submitter. Criteria: ACMG Guidelines, 2015. Collection method: clinical testing. Allele origin: germline. Affected: yes. Observed: 1 variant allele.

Suna and Inan Kirac Foundation Neurodegeneration Research Laboratory, Koc University
Classification: Pathogenic for Birt-Hogg-Dube syndrome 1. Review status: criteria provided, single submitter. Criteria: ACMG Guidelines, 2015. Collection method: clinical testing. Allele origin: germline. Inheritance: Autosomal dominant inheritance. Affected: yes. Observed: 1 heterozygote.

Literature cited by the submitters: PubMed 15852235 (cited by Labcorp Genetics (formerly Invitae), Labcorp); PubMed 37370942 (cited by Labcorp Genetics (formerly Invitae), Labcorp and Center for Genomic Medicine, Rigshospitalet, Copenhagen University Hospital).